The following is an entry in ClinVar:

ClinVar aggregate classification (germline): Uncertain significance (1 of 4 stars; one submission).

Submission:

Labcorp Genetics (formerly Invitae), Labcorp
Classification: Uncertain significance. Last evaluated: 2023-10-03. Review status: criteria provided, single submitter. Criteria: Invitae Variant Classification Sherloc (09022015). Collection method: clinical testing. Allele origin: germline.
Comment: This sequence change replaces proline, which is neutral and non-polar, with glutamine, which is neutral and polar, at codon 23 of the TPP1 protein (p.Pro23Gln). This variant is not present in population databases (gnomAD no frequency). This variant has not been reported in the literature in individuals affected with TPP1-related conditions. ClinVar contains an entry for this variant (Variation ID: 2164395). Advanced modeling of protein sequence and biophysical properties (such as structural, functional, and spatial information, amino acid conservation, physicochemical variation, residue mobility, and thermodynamic stability) performed at Invitae indicates that this missense variant is not expected to disrupt TPP1 protein function. In summary, the available evidence is currently insufficient to determine the role of this variant in disease. Therefore, it has been classified as a Variant of Uncertain Significance.

NM_000391.4(TPP1):c.68C>A (p.Pro23Gln)

Gene: TPP1 (tripeptidyl peptidase 1; minus strand). Cytogenetic location: 11p15.4.
Variant type: single nucleotide variant.
Coding change: c.68C>A on transcript NM_000391.4 (MANE Select); coding-DNA position 68, C replaced by A.
Protein change: p.Pro23Gln; replaces proline 23 with glutamine.
Molecular consequence: missense variant.
Genome position (GRCh38, 1-based): chr11:6,619,217, G>T on the plus strand (C>A on the coding strand, the complement: TPP1 is on the minus strand). VCF-style: chr11-6619217-G-T. GRCh37 (hg19) VCF-style: chr11-6640448-G-T.
Other names: short protein forms P23Q.
Identifiers: ClinVar variation 2164395 (VCV002164395.4), dbSNP rs2134598745, ClinGen allele CA379476974.